The following is an entry in ClinVar:

ClinVar aggregate classification (germline): Likely benign. Review status: criteria provided, multiple submitters, no conflicts (2 of 4 stars). 2 submissions from 2 submitters: Likely benign (2). Last evaluated 2025-11-12.

gnomAD v4.1: 14 of 1,612,380 alleles (0.00087%); highest among the groups gnomAD compares: Admixed American, 0.013%; no homozygotes.

Submissions (2):

Women's Health and Genetics/Laboratory Corporation of America, LabCorp
Classification: Likely benign. Last evaluated: 2025-11-12. Review status: criteria provided, single submitter. Criteria: LabCorp Variant Classification Summary - May 2015. Collection method: clinical testing. Allele origin: germline.
Comment: Variant summary: SEPTIN9 c.234G>A alters a conserved nucleotide resulting in a synonymous change. Consensus agreement among computation tools predict no significant impact on normal splicing. However, these predictions have yet to be confirmed by functional studies. The variant allele was found at a frequency of 2.9e-05 in 243662 control chromosomes. The available data on variant occurrences in the general population are insufficient to allow any conclusion about variant significance. To our knowledge, no occurrence of c.234G>A in individuals affected with SEPTIN9-related conditions and no experimental evidence demonstrating its impact on protein function have been reported. ClinVar contains an entry for this variant (Variation ID: 2895607). Based on the evidence outlined above, the variant was classified as likely benign.

Labcorp Genetics (formerly Invitae), Labcorp
Classification: Likely benign. Last evaluated: 2023-04-05. Review status: criteria provided, single submitter. Criteria: Invitae Variant Classification Sherloc (09022015). Collection method: clinical testing. Allele origin: germline.

NM_001113491.2(SEPTIN9):c.288G>A (p.Ser96=)

Gene: SEPTIN9 (septin 9; plus strand). Cytogenetic location: 17q25.3.
Variant type: single nucleotide variant.
Coding change: c.288G>A on transcript NM_001113491.2 (MANE Select); coding-DNA position 288, G replaced by A.
Protein change: p.Ser96=; no amino-acid change (serine 96 retained).
Molecular consequence: synonymous variant. On other transcripts: 5 prime UTR variant (2).
Genome position (GRCh38, 1-based): chr17:77,402,270, G>A. VCF-style: chr17-77402270-G-A. GRCh37 (hg19) VCF-style: chr17-75398352-G-A.
Other names: c.-205G>A (NM_001113492.2, NM_001113494.1); c.267G>A, p.Ser89= (NM_001113493.2); c.231G>A, p.Ser77= (NM_001293695.2); c.234G>A, p.Ser78= (NM_006640.5).
Identifiers: ClinVar variation 2895607 (VCV002895607.4), dbSNP rs374080377, ClinGen allele CA8793163.
Genomic context (GRCh38, chr17:77,402,270, plus strand): 5'-CCATGTGGACTCCCTAAGCCAACGCTCCCCCAAGGCGTCCCTGCGGAGGGTGGAGCTCTC[G>A]GGCCCCAAGGCGGCCGAGCCGGTGTCCCGGCGCACTGAGCTGTCCATTGACATCTCGTCC-3'
Protein context (NP_001106963.1, residues 86-106): PKASLRRVEL[Ser96=]GPKAAEPVSR